The following is an entry in ClinVar:

ClinVar aggregate classification (germline): Pathogenic/Likely pathogenic. Review status: criteria provided, multiple submitters, no conflicts (2 of 4 stars). 2 submissions from 2 submitters: Pathogenic (1); Likely pathogenic (1). Last evaluated 2023-08-07.

Conditions:
Autosomal recessive nonsyndromic hearing loss 23. Identifiers: Orphanet 90636, MedGen C1836027, MONDO:0012293, OMIM 609533.

Submissions (2):

Baylor Genetics
Classification: Likely pathogenic for Autosomal recessive nonsyndromic hearing loss 23. Last evaluated: 2023-08-07. Review status: criteria provided, single submitter. Criteria: ACMG Guidelines, 2015. Collection method: clinical testing. Allele origin: unknown.

Labcorp Genetics (formerly Invitae), Labcorp
Classification: Pathogenic. Last evaluated: 2021-10-12. Review status: criteria provided, single submitter. Criteria: Invitae Variant Classification Sherloc (09022015). Collection method: clinical testing. Allele origin: germline.
Comment: This sequence change creates a premature translational stop signal (p.Asp682Glyfs*6) in the PCDH15 gene. It is expected to result in an absent or disrupted protein product. Loss-of-function variants in PCDH15 are known to be pathogenic (PMID: 11398101, 11487575, 14570705). This variant is not present in population databases (ExAC no frequency). This variant has not been reported in the literature in individuals affected with PCDH15-related conditions. For these reasons, this variant has been classified as Pathogenic.

Literature cited by the submitters: PubMed 11398101 (cited by Labcorp Genetics (formerly Invitae), Labcorp); PubMed 11487575 (cited by Labcorp Genetics (formerly Invitae), Labcorp); PubMed 14570705 (cited by Labcorp Genetics (formerly Invitae), Labcorp).

NM_001384140.1(PCDH15):c.2029_2044dup (p.Asp682delinsGlyGlnGlyLysHisTer)

Gene: PCDH15 (protocadherin related 15; minus strand). Cytogenetic location: 10q21.1.
Variant type: Duplication.
Coding change: c.2029_2044dup on transcript NM_001384140.1 (MANE Select); coding-DNA positions 2029 to 2044, 16 bases duplicated (GACAGGGAAAGCACTG).
Protein change: p.Asp682delinsGlyGlnGlyLysHisTer.
Molecular consequence: nonsense. On other transcripts: frameshift variant (1).
Genome position (GRCh38, 1-based): chr10:54,079,378-54,079,393, CAGTGCTTTCCCTGTC duplicated on the plus strand (GACAGGGAAAGCACTG on the coding strand, the reverse complement: PCDH15 is on the minus strand); duplicating any 16 consecutive bases within chr10:54,079,378-54,079,406 gives the same sequence; the c. name uses the placement nearest the transcript's 3' end. VCF-style (leftmost placement, unchanged base first): chr10-54079377-T-TCAGTGCTTTCCCTGTC. GRCh37 (hg19) VCF-style: chr10-55839137-T-TCAGTGCTTTCCCTGTC.
Other names: c.2044_2059dup, p.Asp687delinsGlyGlnGlyLysHisTer (NM_001142763.2, NM_001142771.2); c.2029_2044dup, p.Asp682delinsGlyGlnGlyLysHisTer (NM_001142764.2, NM_001142766.2, NM_001142770.3 and 5 more transcripts); c.1816_1831dup, p.Asp611delinsGlyGlnGlyLysHisTer (NM_001142765.2); c.1918_1933dup, p.Asp645delinsGlyGlnGlyLysHisTer (NM_001142767.2); c.1963_1978dup, p.Asp660delinsGlyGlnGlyLysHisTer (NM_001142768.2, NM_001142773.2, NM_001354404.2); c.2052_2067dup, p.Asp694Glyfs (NM_001142769.4); c.2050_2065dup, p.Asp689delinsGlyGlnGlyLysHisTer (NM_001354411.2).
Identifiers: ClinVar variation 1458978 (VCV001458978.7), dbSNP rs765906921, ClinGen allele CA2573145134.